The following is an entry in ClinVar:

NC_012920.1(MT-CO3):m.9852A>G

Gene: MT-CO3 (mitochondrially encoded cytochrome c oxidase III; plus strand).
Variant type: single nucleotide variant.
Genome position: chrM-9852-A-G.
Identifiers: ClinVar variation 693240 (VCV000693240.1), dbSNP rs1603222544, ClinGen allele CA414803852.

ClinVar aggregate classification (germline): Benign (1 of 4 stars; one submission).

Conditions:
Leigh syndrome (NULS). Also called: Leigh's necrotizing encephalopathy; Leigh's disease; Leigh Syndrome (mtDNA deletion); Leigh Disease; Subacute necrotizing encephalopathy; Necrotizing encephalopathy infantile subacute of Leigh. Identifiers: Orphanet 506, MedGen C2931891, MONDO:0009723, OMIM 256000.

Submission:

Wong Mito Lab, Molecular and Human Genetics, Baylor College of Medicine
Classification: Benign for Leigh syndrome. Last evaluated: 2019-10-17. Review status: criteria provided, single submitter. Criteria: Modified ACMG Guidelines (Unpublished). Collection method: clinical testing. Allele origin: germline.
Comment: The NC_012920.1:m.9852A>G (YP_003024032.1:p.Thr216Ala) variant in MTCO3 gene is interpretated to be a Benign variant based on the modified ACMG guidelines (unpublished). This variant meets the following evidence codes: BS1, BS2, BP4